The following is an entry in ClinVar:

NM_006379.5(SEMA3C):c.323C>G (p.Pro108Arg)

Gene: SEMA3C (semaphorin 3C; minus strand). Cytogenetic location: 7q21.11.
Variant type: single nucleotide variant.
Coding change: c.323C>G on transcript NM_006379.5 (MANE Select); coding-DNA position 323, C replaced by G.
Protein change: p.Pro108Arg; replaces proline 108 with arginine.
Molecular consequence: missense variant.
Genome position (GRCh38, 1-based): chr7:80,827,429, G>C on the plus strand (C>G on the coding strand, the complement: SEMA3C is on the minus strand). VCF-style: chr7-80827429-G-C. GRCh37 (hg19) VCF-style: chr7-80456745-G-C.
Other names: c.377C>G, p.Pro126Arg (NM_001350120.2); c.149C>G, p.Pro50Arg (NM_001350121.2); short protein forms P126R, P108R, P50R.
Identifiers: ClinVar variation 4994375 (VCV004994375.1).
Genomic context (GRCh38, chr7:80,827,429, plus strand): 5'-GAAAACCAAATATTTAAGTTAGTGTTTTTTTTTTTTTTTTTTTTTTTAACACTTACTGTG[G>C]GATCTTTGCCAGCCATTTTGCATTCTTCAACTTTGATTGTAGATGCTGGCCAGAAAACCT-3'
Protein context (NP_006370.1, residues 98-118): VEECKMAGKD[Pro108Arg]THGCGNFVRV

ClinVar aggregate classification (germline): Uncertain significance (1 of 4 stars; one submission).

Conditions:
SEMA3C-related disorder. Also called: SEMA3C-related condition.

gnomAD v4.1: 1 of 1,549,460 alleles (0.000065%); highest among the groups gnomAD compares: Non-Finnish European, 0.000087%; no homozygotes.

Submission:

PreventionGenetics, part of Exact Sciences
Classification: Uncertain significance for SEMA3C-related condition. Last evaluated: 2026-07-28. Review status: criteria provided, single submitter. Criteria: ACMG Guidelines, 2015. Collection method: clinical testing. Allele origin: germline.
Comment: The SEMA3C c.377C>G variant is predicted to result in the amino acid substitution p.Pro126Arg. To our knowledge, this variant has not been reported in the literature or in a large population database (gnomAD), indicating this variant is rare. At this time, the clinical significance of this variant is uncertain due to the absence of conclusive functional and genetic evidence.